The following is an entry in ClinVar:

ClinVar aggregate classification (germline): Uncertain significance. Review status: criteria provided, multiple submitters, no conflicts (2 of 4 stars). 2 submissions from 2 submitters: Uncertain significance (2). Last evaluated 2025-08-08.

Allele frequency attached by ClinVar (database versions not stated): gnomAD exomes 0.00007; ESP Exome Variant Server 0.00008; ExAC 0.00012; TOPMed 0.00016; gnomAD 0.00017; 1000 Genomes Project 30x 0.00047; 1000 Genomes Project 0.00060.
gnomAD v4.1: 134 of 1,612,564 alleles (0.0083%); highest among the groups gnomAD compares: African/African-American, 0.044%; no homozygotes.

Submissions (2):

Ambry Genetics
Classification: Uncertain significance. Last evaluated: 2025-08-08. Review status: criteria provided, single submitter. Criteria: Ambry Variant Classification Scheme 2023. Collection method: clinical testing. Allele origin: germline.

Labcorp Genetics (formerly Invitae), Labcorp
Classification: Uncertain significance. Last evaluated: 2024-05-20. Review status: criteria provided, single submitter. Criteria: Invitae Variant Classification Sherloc (09022015). Collection method: clinical testing. Allele origin: germline.
Comment: This sequence change replaces valine, which is neutral and non-polar, with methionine, which is neutral and non-polar, at codon 1889 of the MYH7B protein (p.Val1889Met). This variant is present in population databases (rs200404804, gnomAD 0.06%). This variant has not been reported in the literature in individuals affected with MYH7B-related conditions. ClinVar contains an entry for this variant (Variation ID: 2166944). Advanced modeling of protein sequence and biophysical properties (such as structural, functional, and spatial information, amino acid conservation, physicochemical variation, residue mobility, and thermodynamic stability) performed at Invitae indicates that this missense variant is not expected to disrupt MYH7B protein function with a negative predictive value of 80%. In summary, the available evidence is currently insufficient to determine the role of this variant in disease. Therefore, it has been classified as a Variant of Uncertain Significance.

NM_020884.7(MYH7B):c.5539G>A (p.Val1847Met)

Gene: MYH7B (myosin heavy chain 7B; plus strand). Cytogenetic location: 20q11.22.
Variant type: single nucleotide variant.
Coding change: c.5539G>A on transcript NM_020884.7 (MANE Select); coding-DNA position 5539, G replaced by A.
Protein change: p.Val1847Met; replaces valine 1847 with methionine.
Molecular consequence: missense variant.
Genome position (GRCh38, 1-based): chr20:35,001,308, G>A. VCF-style: chr20-35001308-G-A. GRCh37 (hg19) VCF-style: chr20-33589111-G-A.
Other names: c.5665G>A (NM_020884.3); short protein forms V1847M.
Identifiers: ClinVar variation 2166944 (VCV002166944.5), dbSNP rs200404804, ClinGen allele CA9828617.
Genomic context (GRCh38, chr20:35,001,308, plus strand): 5'-CGGGAGCTGGAGGCTGAGCTTGATGCAGAGCAGAAGAAGCACGCCGAGGCCCTTAAGGGC[G>A]TGCGCAAGCATGAGCGCCGTGTCAAGGAGCTCGCATACCAGGTGGGCGACAGGGTCTCCC-3'
Protein context (NP_065935.4, residues 1837-1857): QKKHAEALKG[Val1847Met]RKHERRVKEL